The following is an entry in ClinVar:

ClinVar aggregate classification (germline): Benign/Likely benign. Review status: criteria provided, multiple submitters, no conflicts (2 of 4 stars). 9 submissions from 9 submitters: Benign (3); Likely benign (5). 1 of the submissions does not count toward it. Last evaluated 2026-07-01.

Conditions:
Autosomal dominant cerebellar ataxia. Also called: Spinocerebellar Ataxia, Dominant. Identifiers: Orphanet 99, MedGen C4087347, MONDO:0020380.
ITPR1-related disorder. Also called: ITPR1-related condition.
Gillespie syndrome (GLSP). Also called: Aniridia, cerebellar ataxia, and mental deficiency; Aniridia-cerebellar ataxia-intellectual disability syndrome. Identifiers: Orphanet 1065, MedGen C0431401, MONDO:0008795, OMIM 206700.
Spinocerebellar ataxia type 29 (SCA29). Also called: CEREBELLAR ATAXIA, CONGENITAL NONPROGRESSIVE, AUTOSOMAL DOMINANT; Spinocerebellar ataxia 29, congenital nonprogressive. Identifiers: Orphanet 208513, MedGen C1861732, MONDO:0007298, OMIM 117360.
Spinocerebellar ataxia type 15/16 (SCA15). Also called: Spinocerebellar Ataxia Type 15. Identifiers: Orphanet 98769, MedGen C1847725, MONDO:0011694, OMIM 606658.

Allele frequency attached by ClinVar (database versions not stated): gnomAD exomes 0.00020 and 0.00041; ExAC 0.00043; ESP Exome Variant Server 0.00049; gnomAD 0.00050 and 0.00051; TOPMed 0.00065; 1000 Genomes Project 30x 0.00078; 1000 Genomes Project 0.00080.
gnomAD v4.1: 395 of 1,613,354 alleles (0.024%); highest among the groups gnomAD compares: Middle Eastern, 0.26%; 4 homozygotes.

Submissions (9):

CeGaT Center for Human Genetics Tuebingen
Classification: Likely benign. Last evaluated: 2026-07-01. Review status: criteria provided, single submitter. Criteria: CeGaT Center For Human Genetics Tuebingen Variant Classification Criteria Version 2. Collection method: clinical testing. Allele origin: germline. Affected: yes. Observed: 4 variant alleles.
Comment: ITPR1: BP4, BP7

Labcorp Genetics (formerly Invitae), Labcorp
Classification: Benign. Last evaluated: 2026-01-05. Review status: criteria provided, single submitter. Criteria: Invitae Variant Classification Sherloc (09022015). Collection method: clinical testing. Allele origin: germline.

Blueprint Genetics
Classification: Likely benign. Last evaluated: 2024-11-25. Review status: criteria provided, single submitter. Criteria: ACMG Guidelines, 2015. Collection method: clinical testing. Allele origin: germline.

Fulgent Genetics
Classification: Likely benign for Spinocerebellar ataxia type 29; Gillespie syndrome; Spinocerebellar ataxia type 15/16. Last evaluated: 2021-09-21. Review status: criteria provided, single submitter. Criteria: ACMG Guidelines, 2015. Collection method: clinical testing. Allele origin: unknown.

Athena Diagnostics
Classification: Benign. Last evaluated: 2021-06-01. Review status: criteria provided, single submitter. Criteria: Athena Diagnostics criteria. Collection method: clinical testing. Allele origin: unknown.

GeneDx
Classification: Likely benign. Last evaluated: 2021-02-26. Review status: criteria provided, single submitter. Criteria: GeneDx Variant Classification Process June 2021. Collection method: clinical testing. Allele origin: germline. Affected: yes.

Illumina Laboratory Services, Illumina
Classification: Benign for Spinocerebellar Ataxia, Dominant. Last evaluated: 2018-01-13. Review status: criteria provided, single submitter. Criteria: ICSL Variant Classification Criteria 13 December 2019. Collection method: clinical testing. Allele origin: germline.
Comment: This variant was observed in the ICSL laboratory as part of a predisposition screen in an ostensibly healthy population. It had not been previously curated by ICSL or reported in the Human Gene Mutation Database (HGMD: prior to June 1st, 2018), and was therefore a candidate for classification through an automated scoring system. Utilizing variant allele frequency, disease prevalence and penetrance estimates, and inheritance mode, an automated score was calculated to assess if this variant is too frequent to cause the disease. Based on the score and internal cut-off values, a variant classified as benign is not then subjected to further curation. The score for this variant resulted in a classification of benign for this disease.

Breakthrough Genomics
Classification: Likely benign. Review status: criteria provided, single submitter. Criteria: ACMG Guidelines, 2015. Collection method: not provided. Allele origin: germline. Inheritance: Autosomal dominant inheritance. Affected: yes.

PreventionGenetics, part of Exact Sciences
Classification: Likely benign for ITPR1-related condition. Last evaluated: 2019-08-02. Review status: no assertion criteria provided. Collection method: clinical testing. Allele origin: germline. Not counted in ClinVar's aggregate classification.
Comment: This variant is classified as likely benign based on ACMG/AMP sequence variant interpretation guidelines (Richards et al. 2015 PMID: 25741868, with internal and published modifications).

NM_001378452.1(ITPR1):c.3945T>C (p.Asn1315=)

Gene: ITPR1 (inositol 1,4,5-trisphosphate receptor type 1; plus strand). Cytogenetic location: 3p26.1.
Variant type: single nucleotide variant.
Coding change: c.3945T>C on transcript NM_001378452.1 (MANE Select); coding-DNA position 3945, T replaced by C.
Protein change: p.Asn1315=; no amino-acid change (asparagine 1315 retained).
Molecular consequence: synonymous variant.
Genome position (GRCh38, 1-based): chr3:4,691,260, T>C. VCF-style: chr3-4691260-T-C. GRCh37 (hg19) VCF-style: chr3-4732944-T-C.
Other names: c.3918T>C, p.Asn1306= (NM_001099952.4); c.3900T>C, p.Asn1300= (NM_001168272.2); c.3873T>C, p.Asn1291= (NM_002222.7).
Identifiers: ClinVar variation 345733 (VCV000345733.36), dbSNP rs193212750, ClinGen allele CA2231851.